The following is an entry in ClinVar:

ClinVar aggregate classification (germline): Likely pathogenic (1 of 4 stars; one submission).

Submission:

GeneDx
Classification: Likely pathogenic. Last evaluated: 2017-11-14. Review status: criteria provided, single submitter. Criteria: GeneDx Variant Classification (06012015). Collection method: clinical testing. Allele origin: germline. Affected: yes.
Comment: The c.667+1delG variant in the PEX26 gene has not been reported previously as a pathogenic variant nor as a benign variant, to our knowledge. This splice site variant destroys the canonical splice donor site in intron 4. It is predicted to cause abnormal gene splicing, either leading to an abnormal message that is subject to nonsense-mediated mRNA decay, or to an abnormal protein product if the message is used for protein translation. The c.667+1delG variant is not observed in large population cohorts (Lek et al., 2016). We interpret c.667+1delG as a likely pathogenic variant.

NM_001127649.3(PEX26):c.667+1del

Gene: PEX26 (peroxisomal biogenesis factor 26; plus strand). Cytogenetic location: 22q11.21.
Variant type: Deletion.
Coding change: c.667+1del on transcript NM_001127649.3 (MANE Select); the canonical splice donor site of the intron after coding-DNA position 667, one base deleted (G; older notation c.667+1delG).
Molecular consequence: splice donor variant.
Genome position (GRCh38, 1-based): chr22:18,083,733, G deleted; the last of 2 consecutive G bases (chr22:18,083,732-18,083,733); deleting either gives the same sequence. VCF-style (leftmost placement, unchanged base first): chr22-18083731-AG-A. GRCh37 (hg19) VCF-style: chr22-18566497-AG-A.
Other names: c.667+1delG (NM_017929.5); c.667+1del (NM_017929.6, NM_001199319.2).
Identifiers: ClinVar variation 503793 (VCV000503793.2), dbSNP rs1556589033, ClinGen allele CA658799483.